The following is an entry in ClinVar:

NM_000202.8(IDS):c.442G>A (p.Asp148Asn)

Genes: IDS (iduronate 2-sulfatase; minus strand), LOC106050102 (IDS recombination region; plus strand). Cytogenetic location: Xq28.
Variant type: single nucleotide variant.
Coding change: c.442G>A on transcript NM_000202.8 (MANE Select); coding-DNA position 442, G replaced by A.
Protein change: p.Asp148Asn; replaces aspartic acid 148 with asparagine.
Molecular consequence: missense variant. On other transcripts: non-coding transcript variant (1).
Genome position (GRCh38, 1-based): chrX:149,501,014, C>T on the plus strand (G>A on the coding strand, the complement: IDS is on the minus strand). VCF-style: chrX-149501014-C-T. GRCh37 (hg19) VCF-style: chrX-148582545-C-T.
Other names: c.172G>A, p.Asp58Asn (NM_001166550.4); c.442G>A, p.Asp148Asn (NM_006123.5); short protein forms D148N, D58N.
Identifiers: ClinVar variation 3255728 (VCV003255728.3).

ClinVar aggregate classification (germline): Pathogenic/Likely pathogenic. Review status: criteria provided, multiple submitters, no conflicts (2 of 4 stars). 2 submissions from 2 submitters: Pathogenic (1); Likely pathogenic (1). Last evaluated 2024-06-07.

Conditions:
Mucopolysaccharidosis, MPS-II (MPS2). Also called: Hunter Syndrome; IDURONATE 2-SULFATASE DEFICIENCY; Mucopolysaccharidosis Type II; Mucopolysaccharidosis type 2; Attenuated MPS (subtype; formerly known as mild MPS II); Severe MPS II. Identifiers: Orphanet 580, Orphanet 79388, MedGen C0026705, MONDO:0010674, OMIM 309900.

Submissions (2):

Laboratory of Diagnosis and Therapy of Lysosomal Disorders, University of Padova
Classification: Pathogenic for Mucopolysaccharidosis, MPS-II. Last evaluated: 2024-06-07. Review status: criteria provided, single submitter. Criteria: ACMG Guidelines, 2015. Collection method: literature only. Allele origin: germline. Affected: yes. Observed: 2 variant alleles.
Comment: Absent from controls (or at low frequency) in gnomAD database (PM2_Moderate), Missense change at the same amino acid residue as a pathogenic variant (PM5_Moderate), Missense variant in a gene with a low rate of benign missense variation (PP2_Supporting), Multiple lines of computational evidence support a deleterious effect (PP3_Supporting), Patient’s phenotype or family history highly specific for the disease (PP4_Strong)

Classification method: ACMG Guidelines [PMID:25741868] with modifications

Neuberg Centre For Genomic Medicine, NCGM
Classification: Likely pathogenic for Mucopolysaccharidosis, MPS-II. Last evaluated: 2023-05-20. Review status: criteria provided, single submitter. Criteria: ACMG Guidelines, 2015. Collection method: clinical testing. Allele origin: germline. Inheritance: X-linked recessive inheritance. Affected: yes.
Comment: The observed missense c.442G>A(p.Asp148Asn) variant in IDS gene has been reported previously in individual(s) affected with mucopolysaccharidosis type II (Alves S, et al., 2006). The p.Asp148Asn variant is absent in gnomAD Exomes. This variant has not been submitted to the ClinVar database. Multiple lines of computational evidences (Polyphen - Probably damaging, SIFT - Damaging and MutationTaster - Disease causing) predict a damaging effect on protein structure and function for this variant. The reference amino acid is predicted as conserved by GERP++ and PhyloP across 100 vertebrates. The amino acid Asp at position 148 is changed to a Asn changing protein sequence and it might alter its composition and physico-chemical properties. Other missense variants [ c.442G>C (p.Asp148His); c.443A>T (p.Asp148Val)] on the same residue of this gene has previously been reported to be disease causing (Keeratichamroen S, et al., 2008), suggesting that this residue might be of clinical significance. However, additional functional studies will be required to prove the pathogenicity of this variant. For these reasons, this variant has been classified as Likely Pathogenic.

Literature cited by the submitters: PubMed 17063374 (cited by Laboratory of Diagnosis and Therapy of Lysosomal Disorders, University of Padova); PubMed 17391447 (cited by Laboratory of Diagnosis and Therapy of Lysosomal Disorders, University of Padova).